The following is an entry in ClinVar:

ClinVar aggregate classification (germline): Uncertain significance (1 of 4 stars; one submission).

gnomAD v4.1: 1 of 1,544,234 alleles (0.000065%); no homozygotes.

Submission:

CeGaT Center for Human Genetics Tuebingen
Classification: Uncertain significance. Last evaluated: 2025-08-01. Review status: criteria provided, single submitter. Criteria: CeGaT Center For Human Genetics Tuebingen Variant Classification Criteria Version 2. Collection method: clinical testing. Allele origin: germline. Affected: yes. Observed: 1 variant allele.
Comment: CACNA1A: PM2:Supporting, BP4

NM_001127222.2(CACNA1A):c.3416C>A (p.Thr1139Asn)

Gene: CACNA1A (calcium voltage-gated channel subunit alpha1 A; minus strand). Cytogenetic location: 19p13.13.
Variant type: single nucleotide variant.
Coding change: c.3416C>A on transcript NM_001127222.2 (MANE Select); coding-DNA position 3416, C replaced by A.
Protein change: p.Thr1139Asn; replaces threonine 1139 with asparagine.
Molecular consequence: missense variant.
Genome position (GRCh38, 1-based): chr19:13,286,640, G>T on the plus strand (C>A on the coding strand, the complement: CACNA1A is on the minus strand). VCF-style: chr19-13286640-G-T. GRCh37 (hg19) VCF-style: chr19-13397454-G-T.
Other names: c.3428C>A, p.Thr1143Asn (NM_000068.4, NM_023035.3); c.3419C>A, p.Thr1140Asn (NM_001127221.2, NM_001174080.2); short protein forms T1139N, T1140N, T1143N.
Identifiers: ClinVar variation 4085653 (VCV004085653.8).